The following is an entry in ClinVar:

NC_000019.10:g.55999717G>A

Gene: NLRP5 (NLR family pyrin domain containing 5; plus strand). Cytogenetic location: 19q13.43.
Variant type: single nucleotide variant.
Genome position: GRCh38 VCF-style: chr19-55999717-G-A. GRCh37 (hg19) VCF-style: chr19-56511083-G-A.
Identifiers: ClinVar variation 102990 (VCV000102990.2), dbSNP rs199475762, ClinGen allele CA229956.
Genomic context (GRCh38, chr19:55,999,717, plus strand): 5'-CTCTGATTTCCAGCTTCCAGAGGAGAGCCCAGCCTTCGATGTTCAGTTACTTTCCATGGC[G>A]ATGTTATCATGAAGGTTGCAGGAGGACTTGAACTTGGAGCTGCTGCTCTGCTCTCAGCAT-3'

ClinVar aggregate classification (germline): not provided (0 of 4 stars; one submission).

Allele frequency attached by ClinVar (database versions not stated): gnomAD exomes 0.00006 and 0.00012; TOPMed 0.00007; gnomAD 0.00008; ExAC 0.00007.
gnomAD v4.1: 188 of 1,606,434 alleles (0.012%); highest among the groups gnomAD compares: Non-Finnish European, 0.015%; no homozygotes.

Submission:

Human Evolutionary Genetics, Institut Pasteur
No classification provided. Review status: no classification provided. Collection method: not provided. Allele origin: germline.
ClinVar note: Converted during submission from untested to not provided.